The following is an entry in ClinVar:

ClinVar aggregate classification (germline): Likely benign (1 of 4 stars; one submission).

Allele frequency attached by ClinVar (database versions not stated): gnomAD exomes below 0.00001; TOPMed below 0.00001.
gnomAD v4.1: 2 of 1,155,958 alleles (0.00017%); highest among the groups gnomAD compares: East Asian, 0.0032%; no homozygotes.

Submission:

CeGaT Center for Human Genetics Tuebingen
Classification: Likely benign. Last evaluated: 2022-07-01. Review status: criteria provided, single submitter. Criteria: CeGaT Center For Human Genetics Tuebingen Variant Classification Criteria Version 2. Collection method: clinical testing. Allele origin: germline. Affected: yes. Observed: 1 variant allele.
Comment: MAMLD1: BP4

NM_005491.5(MAMLD1):c.*486C>T

Gene: MAMLD1 (mastermind like domain containing 1; plus strand). Cytogenetic location: Xq28.
Variant type: single nucleotide variant.
Coding change: c.*486C>T on transcript NM_005491.5 (MANE Select); 486 bases downstream of the stop codon, C replaced by T.
Molecular consequence: 3 prime UTR variant. On other transcripts: missense variant (2).
Genome position (GRCh38, 1-based): chrX:150,512,445, C>T. VCF-style: chrX-150512445-C-T. GRCh37 (hg19) VCF-style: chrX-149680715-C-T.
Other names: c.2369C>T, p.Thr790Ile (NM_001177465.3); c.*486C>T (NM_001177466.3, NM_001400513.1, NM_001400514.1 and 1 more transcripts); c.2444C>T, p.Thr815Ile (NM_001400512.1); short protein forms T790I, T815I.
Identifiers: ClinVar variation 2661633 (VCV002661633.24), dbSNP rs1557409204, ClinGen allele CA415252791.
Genomic context (GRCh38, chrX:150,512,445, plus strand): 5'-CAAGAATGCCCACTGCGTTCAACAATGCTGCATGGGTCACAGCGGCAGCAGCTGTGACCA[C>T]AGCAGTTTCGGGGAAAACACCCCTCAGCCAAGTGGATAATAGCGTTCAGCAGCACTCACC-3'